The following is an entry in ClinVar:

ClinVar aggregate classification (germline): Uncertain significance (1 of 4 stars; one submission).

gnomAD v4.1: 51 of 1,612,556 alleles (0.0032%); highest among the groups gnomAD compares: Middle Eastern, 0.016%; no homozygotes.

Submission:

Labcorp Genetics (formerly Invitae), Labcorp
Classification: Uncertain significance. Last evaluated: 2025-10-22. Review status: criteria provided, single submitter. Criteria: Invitae Variant Classification Sherloc (09022015). Collection method: clinical testing. Allele origin: germline.
Comment: This sequence change creates a premature translational stop signal (p.Arg159*) in the LIPC gene. It is expected to result in an absent or disrupted protein product. However, the current clinical and genetic evidence is not sufficient to establish whether loss-of-function variants in LIPC cause disease. This variant is present in population databases (rs376354109, gnomAD 0.02%). This variant has not been reported in the literature in individuals affected with LIPC-related conditions. Algorithms developed to predict the effect of sequence changes on RNA splicing suggest that this variant may disrupt the consensus splice site. In summary, the available evidence is currently insufficient to determine the role of this variant in disease. Therefore, it has been classified as a Variant of Uncertain Significance.

NM_000236.3(LIPC):c.475C>T (p.Arg159Ter)

Gene: LIPC (lipase C, hepatic type; plus strand). Cytogenetic location: 15q21.3.
Variant type: single nucleotide variant.
Coding change: c.475C>T on transcript NM_000236.3 (MANE Select); coding-DNA position 475, C replaced by T.
Protein change: p.Arg159Ter; replaces arginine 159 with a stop codon.
Molecular consequence: nonsense.
Genome position (GRCh38, 1-based): chr15:58,542,552, C>T. VCF-style: chr15-58542552-C-T. GRCh37 (hg19) VCF-style: chr15-58834751-C-T.
Other names: short protein forms R159*.
Identifiers: ClinVar variation 4743762 (VCV004743762.1).